The following is an entry in ClinVar:

ClinVar aggregate classification (germline): Benign/Likely benign. Review status: criteria provided, multiple submitters, no conflicts (2 of 4 stars). 6 submissions from 6 submitters: Benign (2); Likely benign (1). 3 of the submissions do not count toward it. Last evaluated 2026-01-08.

Conditions:
APP-related disorder. Also called: APP-related condition.
Alzheimer disease. Also called: Presenile and senile dementia; Alzheimer's disease. Identifiers: Orphanet 1020, MedGen C0002395, MeSH D000544, MONDO:0004975, HP:0002511.

Allele frequency attached by ClinVar (database versions not stated): gnomAD exomes 0.00012 and 0.00029; ExAC 0.00036; ESP Exome Variant Server 0.00085; gnomAD 0.00109 and 0.00115; TOPMed 0.00121; 1000 Genomes Project 0.00200; 1000 Genomes Project 30x 0.00219.
gnomAD v4.1: 350 of 1,613,388 alleles (0.022%); highest among the groups gnomAD compares: African/African-American, 0.34%; 1 homozygote.

Submissions (6):

Labcorp Genetics (formerly Invitae), Labcorp
Classification: Benign for Alzheimer disease. Last evaluated: 2026-01-08. Review status: criteria provided, single submitter. Criteria: Invitae Variant Classification Sherloc (09022015). Collection method: clinical testing. Allele origin: germline.

Women's Health and Genetics/Laboratory Corporation of America, LabCorp
Classification: Likely benign. Last evaluated: 2025-11-04. Review status: criteria provided, single submitter. Criteria: LabCorp Variant Classification Summary - May 2015. Collection method: clinical testing. Allele origin: germline.

Illumina Laboratory Services, Illumina
Classification: Benign for Alzheimer disease type 1. Last evaluated: 2017-04-27. Review status: criteria provided, single submitter. Criteria: ICSL Variant Classification Criteria 13 December 2019. Collection method: clinical testing. Allele origin: germline.
Comment: This variant was observed as part of a predisposition screen in an ostensibly healthy population. A literature search was performed for the gene, cDNA change, and amino acid change (where applicable). No publications were found based on this search. Allele frequency data from public databases was too high to be consistent with this variant causing disease. Therefore, this variant is classified as benign.

PreventionGenetics, part of Exact Sciences
Classification: Likely benign for APP-related condition. Last evaluated: 2024-02-28. Review status: no assertion criteria provided. Collection method: clinical testing. Allele origin: germline. Not counted in ClinVar's aggregate classification.
Comment: This variant is classified as likely benign based on ACMG/AMP sequence variant interpretation guidelines (Richards et al. 2015 PMID: 25741868, with internal and published modifications).

Clinical Genetics DNA and cytogenetics Diagnostics Lab, Erasmus MC, Erasmus Medical Center
Classification: Likely benign. Review status: no assertion criteria provided. Collection method: clinical testing. Allele origin: germline. Affected: yes. Study: VKGL Data-share Consensus. Not counted in ClinVar's aggregate classification.

Genome Diagnostics Laboratory, Amsterdam University Medical Center
Classification: Likely benign. Review status: no assertion criteria provided. Collection method: clinical testing. Allele origin: germline. Affected: yes. Study: VKGL Data-share Consensus. Not counted in ClinVar's aggregate classification.

NM_000484.4(APP):c.2217C>T (p.Asp739=)

Gene: APP (amyloid beta precursor protein; minus strand). Cytogenetic location: 21q21.3.
Variant type: single nucleotide variant.
Coding change: c.2217C>T on transcript NM_000484.4 (MANE Select); coding-DNA position 2217, C replaced by T.
Protein change: p.Asp739=; no amino-acid change (aspartic acid 739 retained).
Molecular consequence: synonymous variant.
Genome position (GRCh38, 1-based): chr21:25,881,766, G>A on the plus strand (C>T on the coding strand, the complement: APP is on the minus strand). VCF-style: chr21-25881766-G-A. GRCh37 (hg19) VCF-style: chr21-27254077-G-A.
Other names: c.2145C>T, p.Asp715= (NM_001136016.3); c.1824C>T, p.Asp608= (NM_001136129.3); c.2049C>T, p.Asp683= (NM_001136130.3, NM_001385253.1); c.1887C>T, p.Asp629= (NM_001136131.3); c.2163C>T, p.Asp721= (NM_001204301.2); c.2106C>T, p.Asp702= (NM_001204302.2); c.1938C>T, p.Asp646= (NM_001204303.2); c.2160C>T, p.Asp720= (NM_201413.3); and 1 more.
Identifiers: ClinVar variation 704297 (VCV000704297.18), dbSNP rs145277462, ClinGen allele CA9987021.